The following is an entry in ClinVar:

ClinVar aggregate classification (germline): Uncertain significance (1 of 4 stars; one submission).

Conditions:
Giant axonal neuropathy 1 (GAN1). Also called: GIANT AXONAL NEUROPATHY 1, AUTOSOMAL RECESSIVE; GAN-Related Neurodegeneration. Identifiers: Orphanet 643, MedGen C1850386, MONDO:0009749, OMIM 256850.

Submission:

Labcorp Genetics (formerly Invitae), Labcorp
Classification: Uncertain significance for Giant axonal neuropathy 1. Last evaluated: 2024-02-24. Review status: criteria provided, single submitter. Criteria: Invitae Variant Classification Sherloc (09022015). Collection method: clinical testing. Allele origin: germline.
Comment: This variant, c.1367_1369del, is a complex sequence change that results in the deletion of 2 and insertion of 1 amino acid(s) in the GAN protein (p.Glu456_Arg457delinsGly). This variant is not present in population databases (gnomAD no frequency). This variant has not been reported in the literature in individuals affected with GAN-related conditions. ClinVar contains an entry for this variant (Variation ID: 1015137). Experimental studies and prediction algorithms are not available or were not evaluated, and the functional significance of this variant is currently unknown. In summary, the available evidence is currently insufficient to determine the role of this variant in disease. Therefore, it has been classified as a Variant of Uncertain Significance.

NM_022041.4(GAN):c.1367_1369del (p.Glu456_Arg457delinsGly)

Gene: GAN (gigaxonin; plus strand). Cytogenetic location: 16q23.2.
Variant type: Deletion.
Coding change: c.1367_1369del on transcript NM_022041.4 (MANE Select); coding-DNA positions 1367 to 1369, 3 bases deleted (AGA; older notation c.1367_1369delAGA).
Protein change: p.Glu456_Arg457delinsGly.
Molecular consequence: inframe indel.
Genome position (GRCh38, 1-based): chr16:81,365,104-81,365,106, AGA deleted. VCF-style (leftmost placement, unchanged base first): chr16-81365103-GAGA-G. GRCh37 (hg19) VCF-style: chr16-81398708-GAGA-G.
Other names: c.728_730del, p.Glu243_Arg244delinsGly (NM_001377486.1).
Identifiers: ClinVar variation 1015137 (VCV001015137.8), dbSNP rs1910807452, ClinGen allele CA2237006517.